The following is an entry in ClinVar:

ClinVar aggregate classification (germline): Uncertain significance. Review status: criteria provided, multiple submitters, no conflicts (2 of 4 stars). 2 submissions from 2 submitters: Uncertain significance (2). Last evaluated 2023-09-28.

Conditions:
Hereditary nonpolyposis colorectal neoplasms. Identifiers: MedGen C0009405, MeSH D003123.
Hereditary cancer-predisposing syndrome. Also called: Neoplastic Syndromes, Hereditary; Hereditary Cancer Syndrome; Hereditary neoplastic syndrome; Tumor predisposition. Identifiers: Orphanet 140162, MedGen C0027672, MeSH D009386, MONDO:0015356.

Submissions (2):

Ambry Genetics
Classification: Uncertain significance for Hereditary cancer-predisposing syndrome. Last evaluated: 2023-09-28. Review status: criteria provided, single submitter. Criteria: Ambry Variant Classification Scheme 2023. Collection method: clinical testing. Allele origin: germline.
Comment: The p.K660E variant (also known as c.1978A>G), located in coding exon 4 of the MSH6 gene, results from an A to G substitution at nucleotide position 1978. The lysine at codon 660 is replaced by glutamic acid, an amino acid with similar properties. This amino acid position is conserved. In addition, the in silico prediction for this alteration is inconclusive. Since supporting evidence is limited at this time, the clinical significance of this alteration remains unclear.

Labcorp Genetics (formerly Invitae), Labcorp
Classification: Uncertain significance for Hereditary nonpolyposis colorectal neoplasms. Last evaluated: 2020-09-15. Review status: criteria provided, single submitter. Criteria: Invitae Variant Classification Sherloc (09022015). Collection method: clinical testing. Allele origin: germline.
Comment: This sequence change replaces lysine with glutamic acid at codon 660 of the MSH6 protein (p.Lys660Glu). The lysine residue is highly conserved and there is a small physicochemical difference between lysine and glutamic acid. This variant is not present in population databases (ExAC no frequency). This variant has not been reported in the literature in individuals with MSH6-related conditions. Advanced modeling of protein sequence and biophysical properties (such as structural, functional, and spatial information, amino acid conservation, physicochemical variation, residue mobility, and thermodynamic stability) performed at Invitae indicates that this missense variant is not expected to disrupt MSH6 protein function. In summary, the available evidence is currently insufficient to determine the role of this variant in disease. Therefore, it has been classified as a Variant of Uncertain Significance.

NM_000179.3(MSH6):c.1978A>G (p.Lys660Glu)

Gene: MSH6 (mutS homolog 6; plus strand). Cytogenetic location: 2p16.3.
Variant type: single nucleotide variant.
Coding change: c.1978A>G on transcript NM_000179.3 (MANE Select); coding-DNA position 1978, A replaced by G.
Protein change: p.Lys660Glu; replaces lysine 660 with glutamic acid.
Molecular consequence: missense variant.
Genome position (GRCh38, 1-based): chr2:47,799,961, A>G. VCF-style: chr2-47799961-A-G. GRCh37 (hg19) VCF-style: chr2-48027100-A-G.
Other names: c.1978A>G (NM_000179.2); c.1588A>G, p.Lys530Glu (NM_001281492.2); c.1072A>G, p.Lys358Glu (NM_001281493.2, NM_001281494.2); short protein forms K358E, K530E, K660E.
Identifiers: ClinVar variation 1059713 (VCV001059713.10), dbSNP rs1060502894, ClinGen allele CA346750618.